The following is an entry in ClinVar:

ClinVar aggregate classification (germline): Benign/Likely benign. Review status: criteria provided, multiple submitters, no conflicts (2 of 4 stars). 2 submissions from 2 submitters: Benign (1); Likely benign (1). Last evaluated 2026-03-01.

Allele frequency attached by ClinVar (database versions not stated): 1000 Genomes Project 30x 0.00047; 1000 Genomes Project 0.00060; ESP Exome Variant Server 0.00108; ExAC 0.00204; gnomAD 0.00228 and 0.00239; gnomAD exomes 0.00230.
gnomAD v4.1: 2,436 of 1,613,576 alleles (0.15%); highest among the groups gnomAD compares: Non-Finnish European, 0.13%; 15 homozygotes.

Submissions (9):

CeGaT Center for Human Genetics Tuebingen
Classification: Likely benign. Last evaluated: 2026-03-01. Review status: criteria provided, single submitter. Criteria: CeGaT Center For Human Genetics Tuebingen Variant Classification Criteria Version 2. Collection method: clinical testing. Allele origin: germline. Affected: yes. Observed: 1 variant allele.
Comment: PAFAH1B2: BP4, BP7

Labcorp Genetics (formerly Invitae), Labcorp
Classification: Benign. Last evaluated: 2018-01-11. Review status: criteria provided, single submitter. Criteria: Invitae Variant Classification Sherloc (09022015). Collection method: clinical testing. Allele origin: germline.

Dr. Peter K. Rogan Lab, Western University
No classification provided (evidence only). Condition: Melanoma. Review status: no classification provided. Collection method: in vitro. Allele origin: not applicable. Functional consequence: skipped exon. Not counted in ClinVar's aggregate classification.

Dr. Peter K. Rogan Lab, Western University
No classification provided (evidence only). Condition: Melanoma. Review status: no classification provided. Collection method: in vitro. Allele origin: not applicable. Functional consequence: skipped exon. Not counted in ClinVar's aggregate classification.

Dr. Peter K. Rogan Lab, Western University
No classification provided (evidence only). Condition: Familial cancer of breast. Review status: no classification provided. Collection method: in vitro. Allele origin: not applicable. Functional consequence: skipped exon. Not counted in ClinVar's aggregate classification.

Dr. Peter K. Rogan Lab, Western University
No classification provided (evidence only). Condition: Familial cancer of breast. Review status: no classification provided. Collection method: in vitro. Allele origin: not applicable. Functional consequence: retained intron. Not counted in ClinVar's aggregate classification.

Dr. Peter K. Rogan Lab, Western University
No classification provided (evidence only). Condition: Familial cancer of breast. Review status: no classification provided. Collection method: in vitro. Allele origin: not applicable. Functional consequence: retained intron. Not counted in ClinVar's aggregate classification.

Dr. Peter K. Rogan Lab, Western University
No classification provided (evidence only). Condition: Cervical cancer. Review status: no classification provided. Collection method: in vitro. Allele origin: not applicable. Functional consequence: skipped exon. Not counted in ClinVar's aggregate classification.

Dr. Peter K. Rogan Lab, Western University
No classification provided (evidence only). Condition: Gastric cancer. Review status: no classification provided. Collection method: in vitro. Allele origin: not applicable. Functional consequence: retained intron. Not counted in ClinVar's aggregate classification.

NM_002572.4(PAFAH1B2):c.36G>T (p.Pro12=)

Gene: PAFAH1B2 (platelet activating factor acetylhydrolase 1b catalytic subunit 2; plus strand). Cytogenetic location: 11q23.3.
Variant type: single nucleotide variant.
Coding change: c.36G>T on transcript NM_002572.4 (MANE Select); coding-DNA position 36, G replaced by T.
Protein change: p.Pro12=; no amino-acid change (proline 12 retained).
Molecular consequence: synonymous variant. On other transcripts: non-coding transcript variant (2), intron variant (1).
Genome position (GRCh38, 1-based): chr11:117,152,483, G>T. VCF-style: chr11-117152483-G-T. GRCh37 (hg19) VCF-style: chr11-117023199-G-T.
Other names: NC_000011.9:g.117023199G>T; c.36G>T, p.Pro12= (NM_001184746.2, NM_001184747.2, NM_001184748.2); c.-63-7451G>T (NM_001309431.2).
Identifiers: ClinVar variation 728711 (VCV000728711.8), dbSNP rs150351376, ClinGen allele CA6291056.